The following is an entry in ClinVar:

ClinVar aggregate classification (germline): Pathogenic (1 of 4 stars; one submission).

Conditions:
Deficiency of hydroxymethylglutaryl-CoA lyase (HMGCLD). Also called: Defect in leucine metabolism; 3-hydroxy-3-methylglutaric aciduria; HMGCL DEFICIENCY; HYDROXYMETHYLGLUTARIC ACIDURIA; HMG-CoA LYASE DEFICIENCY. Identifiers: Orphanet 20, MedGen C1533587, MONDO:0009520, OMIM 246450.

Allele frequency attached by ClinVar (database versions not stated): gnomAD exomes below 0.00001.

Submission:

Labcorp Genetics (formerly Invitae), Labcorp
Classification: Pathogenic for Deficiency of hydroxymethylglutaryl-CoA lyase. Last evaluated: 2022-05-21. Review status: criteria provided, single submitter. Criteria: Invitae Variant Classification Sherloc (09022015). Collection method: clinical testing. Allele origin: germline.
Comment: This variant has not been reported in the literature in individuals affected with HMGCL-related conditions. For these reasons, this variant has been classified as Pathogenic. This variant is present in population databases (no rsID available, gnomAD 0.006%). This sequence change creates a premature translational stop signal (p.Ile60Phefs*9) in the HMGCL gene. It is expected to result in an absent or disrupted protein product. Loss-of-function variants in HMGCL are known to be pathogenic (PMID: 9817922, 17692550, 23465862).

Literature cited by the submitters: PubMed 9817922; PubMed 17692550; PubMed 23465862.

NM_000191.3(HMGCL):c.178_187del (p.Ile60fs)

Gene: HMGCL (3-hydroxy-3-methylglutaryl-CoA lyase; minus strand). Cytogenetic location: 1p36.11.
Variant type: Deletion.
Coding change: c.178_187del on transcript NM_000191.3 (MANE Select); coding-DNA positions 178 to 187, 10 bases deleted (ATAGACATGC; older notation c.178_187delATAGACATGC).
Protein change: p.Ile60fs; shifts the reading frame from isoleucine 60.
Molecular consequence: frameshift variant.
Genome position (GRCh38, 1-based): chr1:23,817,541-23,817,550, GCATGTCTAT deleted on the plus strand (ATAGACATGC on the coding strand, the reverse complement: HMGCL is on the minus strand). VCF-style (leftmost placement, unchanged base first): chr1-23817540-AGCATGTCTAT-A. GRCh37 (hg19) VCF-style: chr1-24144030-AGCATGTCTAT-A.
Other names: c.178_187del, p.Ile60fs (NM_001166059.2); short protein forms I60fs.
Identifiers: ClinVar variation 1997196 (VCV001997196.4), dbSNP rs1259779697, ClinGen allele CA521651242.
Genomic context (GRCh38, chr1:23,817,540, plus strand): 5'-GGAACCCACTTAGGAGACACAAAGCTGGTGGTTTCTATAACAGAGAGTCCTGCTTCAGAA[AGCATGTCTAT>A]CAGCTTGATTTTCACTGGAGTAGATACGATATTCTATAGTGGAGAGAGAAACACCAAGGC-3'